The following is an entry in ClinVar:

ClinVar aggregate classification (germline): Uncertain significance (1 of 4 stars; one submission).

Submission:

GeneDx
Classification: Uncertain significance. Last evaluated: 2026-07-24. Review status: criteria provided, single submitter. Criteria: GeneDx Variant Classification Process June 2021. Collection method: clinical testing. Allele origin: germline.
Comment: Not observed at significant frequency in large population cohorts (gnomAD); In silico analysis supports that this missense variant has a deleterious effect on protein structure/function; Has not been previously published as pathogenic or benign to our knowledge; In silico analysis is inconclusive as to whether the variant alters gene splicing. In the absence of RNA/functional studies, the actual effect of this sequence change is unknown.

NM_015215.4(CAMTA1):c.113A>G (p.Glu38Gly)

Gene: CAMTA1 (calmodulin binding transcription activator 1; plus strand). Cytogenetic location: 1p36.31.
Variant type: single nucleotide variant.
Coding change: c.113A>G on transcript NM_015215.4 (MANE Select); coding-DNA position 113, A replaced by G.
Protein change: p.Glu38Gly; replaces glutamic acid 38 with glycine.
Molecular consequence: missense variant. On other transcripts: intron variant (3).
Genome position (GRCh38, 1-based): chr1:6,820,248, A>G. VCF-style: chr1-6820248-A-G. GRCh37 (hg19) VCF-style: chr1-6880308-A-G.
Other names: c.113A>G, p.Glu38Gly (NM_001242701.2, NM_001349609.2, NM_001349610.2 and 3 more transcripts); c.26-4844A>G (NM_001349608.2, NM_001349612.2); c.152-4844A>G (NM_001349627.2); short protein forms E38G.
Identifiers: ClinVar variation 3600967 (VCV003600967.2).